The following is an entry in ClinVar:

NM_053013.4(ENO3):c.8T>C (p.Met3Thr)

Gene: ENO3 (enolase 3; plus strand). Cytogenetic location: 17p13.2.
Variant type: single nucleotide variant.
Coding change: c.8T>C on transcript NM_053013.4 (MANE Select); coding-DNA position 8, T replaced by C.
Protein change: p.Met3Thr; replaces methionine 3 with threonine.
Molecular consequence: missense variant.
Genome position (GRCh38, 1-based): chr17:4,951,837, T>C. VCF-style: chr17-4951837-T-C. GRCh37 (hg19) VCF-style: chr17-4855132-T-C.
Other names: c.8T>C, p.Met3Thr (NM_001193503.2, NM_001374523.1, NM_001976.5); c.35T>C, p.Met12Thr (NM_001374524.1); short protein forms M12T, M3T.
Identifiers: ClinVar variation 3654661 (VCV003654661.2).

ClinVar aggregate classification (germline): Uncertain significance (1 of 4 stars; one submission).

Conditions:
Glycogen storage disease due to muscle beta-enolase deficiency (GSD13). Also called: Glycogen Storage Disease Type XIII; ENOLASE 3 DEFICIENCY; ENOLASE-BETA DEFICIENCY; GSD XIII. Identifiers: Orphanet 99849, MedGen C2752027, MONDO:0013046, OMIM 612932.

Submission:

Labcorp Genetics (formerly Invitae), Labcorp
Classification: Uncertain significance for Glycogen storage disease due to muscle beta-enolase deficiency. Last evaluated: 2025-10-02. Review status: criteria provided, single submitter. Criteria: Invitae Variant Classification Sherloc (09022015). Collection method: clinical testing. Allele origin: germline.
Comment: This sequence change replaces methionine, which is neutral and non-polar, with threonine, which is neutral and polar, at codon 3 of the ENO3 protein (p.Met3Thr). This variant is present in population databases (no rsID available, gnomAD 0.002%). This variant has not been reported in the literature in individuals affected with ENO3-related conditions. ClinVar contains an entry for this variant (Variation ID: 3654661). Invitae Evidence Modeling of protein sequence and biophysical properties (such as structural, functional, and spatial information, amino acid conservation, physicochemical variation, residue mobility, and thermodynamic stability) indicates that this missense variant is not expected to disrupt ENO3 protein function with a negative predictive value of 80%. In summary, the available evidence is currently insufficient to determine the role of this variant in disease. Therefore, it has been classified as a Variant of Uncertain Significance.